The following is an entry in ClinVar:

NM_144997.7(FLCN):c.746A>G (p.Asn249Ser)

Gene: FLCN (folliculin; minus strand). Cytogenetic location: 17p11.2.
Variant type: single nucleotide variant.
Coding change: c.746A>G on transcript NM_144997.7 (MANE Select); coding-DNA position 746, A replaced by G.
Protein change: p.Asn249Ser; replaces asparagine 249 with serine.
Molecular consequence: missense variant.
Genome position (GRCh38, 1-based): chr17:17,222,534, T>C on the plus strand (A>G on the coding strand, the complement: FLCN is on the minus strand). VCF-style: chr17-17222534-T-C. GRCh37 (hg19) VCF-style: chr17-17125848-T-C.
Other names: c.800A>G, p.Asn267Ser (NM_001353229.2); c.746A>G, p.Asn249Ser (NM_001353230.2, NM_001353231.2, NM_144606.7); short protein forms N249S, N267S.
Identifiers: ClinVar variation 3581698 (VCV003581698.4).

ClinVar aggregate classification (germline): Uncertain significance. Review status: criteria provided, multiple submitters, no conflicts (2 of 4 stars). 3 submissions from 3 submitters: Uncertain significance (3). Last evaluated 2026-01-15.

Conditions:
Colorectal cancer. Also called: Colorectal cancer, somatic; Malignant Colorectal Neoplasm. Identifiers: MedGen C0346629, MONDO:0005575, OMIM 114500.
Birt-Hogg-Dube syndrome 1 (BHD1). Also called: FIBROFOLLICULOMAS WITH TRICHODISCOMAS AND ACROCHORDONS. Identifiers: Orphanet 122, MedGen CN375946, MONDO:0800445, OMIM 135150.
Nonpapillary renal cell carcinoma. Identifiers: Orphanet 422526, MedGen CN074294, MONDO:0007763, OMIM 144700.
Familial spontaneous pneumothorax (PSP). Identifiers: Orphanet 2903, MedGen C1868193, MONDO:0008259, OMIM 173600.
Birt-Hogg-Dube syndrome. Also called: Birt Hogg Dubé syndrome. Identifiers: Orphanet 122, MedGen C0346010, MONDO:0800444.
Hereditary cancer-predisposing syndrome. Also called: Neoplastic Syndromes, Hereditary; Hereditary Cancer Syndrome; Hereditary neoplastic syndrome; Tumor predisposition. Identifiers: Orphanet 140162, MedGen C0027672, MeSH D009386, MONDO:0015356.

Submissions (3):

Ambry Genetics
Classification: Uncertain significance for Hereditary cancer-predisposing syndrome. Last evaluated: 2026-01-15. Review status: criteria provided, single submitter. Criteria: Ambry Variant Classification Scheme 2023. Collection method: clinical testing. Allele origin: germline.
Comment: The p.N249S variant (also known as c.746A>G), located in coding exon 4 of the FLCN gene, results from an A to G substitution at nucleotide position 746. The asparagine at codon 249 is replaced by serine, an amino acid with highly similar properties. This amino acid position is conserved. In addition, this alteration is predicted to be tolerated by in silico analysis. Based on the available evidence, the clinical significance of this variant remains unclear.

Fulgent Genetics
Classification: Uncertain significance for Colorectal cancer; Birt-Hogg-Dube syndrome 1; Nonpapillary renal cell carcinoma; Familial spontaneous pneumothorax. Last evaluated: 2024-04-10. Review status: criteria provided, single submitter. Criteria: ACMG Guidelines, 2015. Collection method: clinical testing. Allele origin: germline.

Labcorp Genetics (formerly Invitae), Labcorp
Classification: Uncertain significance for Birt-Hogg-Dube syndrome. Last evaluated: 2024-03-19. Review status: criteria provided, single submitter. Criteria: Invitae Variant Classification Sherloc (09022015). Collection method: clinical testing. Allele origin: germline.
Comment: This sequence change replaces asparagine, which is neutral and polar, with serine, which is neutral and polar, at codon 249 of the FLCN protein (p.Asn249Ser). This variant is not present in population databases (gnomAD no frequency). This variant has not been reported in the literature in individuals affected with FLCN-related conditions. Advanced modeling of protein sequence and biophysical properties (such as structural, functional, and spatial information, amino acid conservation, physicochemical variation, residue mobility, and thermodynamic stability) performed at Invitae indicates that this missense variant is not expected to disrupt FLCN protein function with a negative predictive value of 80%. In summary, the available evidence is currently insufficient to determine the role of this variant in disease. Therefore, it has been classified as a Variant of Uncertain Significance.